The following is an entry in ClinVar:

ClinVar aggregate classification (germline): Uncertain significance. Review status: criteria provided, multiple submitters, no conflicts (2 of 4 stars). 2 submissions from 2 submitters: Uncertain significance (2). Last evaluated 2025-11-24.

Allele frequency attached by ClinVar (database versions not stated): gnomAD exomes below 0.00001; TOPMed below 0.00001.
gnomAD v4.1: 2 of 1,613,714 alleles (0.00012%); highest among the groups gnomAD compares: Admixed American, 0.0017%; no homozygotes.

Submissions (2):

Ambry Genetics
Classification: Uncertain significance. Last evaluated: 2025-11-24. Review status: criteria provided, single submitter. Criteria: Ambry Variant Classification Scheme 2023. Collection method: clinical testing. Allele origin: germline.

Labcorp Genetics (formerly Invitae), Labcorp
Classification: Uncertain significance. Last evaluated: 2023-12-28. Review status: criteria provided, single submitter. Criteria: Invitae Variant Classification Sherloc (09022015). Collection method: clinical testing. Allele origin: germline.
Comment: This sequence change replaces serine, which is neutral and polar, with asparagine, which is neutral and polar, at codon 575 of the PLXNA2 protein (p.Ser575Asn). This variant is not present in population databases (gnomAD no frequency). This variant has not been reported in the literature in individuals affected with PLXNA2-related conditions. Advanced modeling of protein sequence and biophysical properties (such as structural, functional, and spatial information, amino acid conservation, physicochemical variation, residue mobility, and thermodynamic stability) performed at Invitae indicates that this missense variant is not expected to disrupt PLXNA2 protein function with a negative predictive value of 80%. In summary, the available evidence is currently insufficient to determine the role of this variant in disease. Therefore, it has been classified as a Variant of Uncertain Significance.

NM_025179.4(PLXNA2):c.1724G>A (p.Ser575Asn)

Gene: PLXNA2 (plexin A2; minus strand). Cytogenetic location: 1q32.2.
Variant type: single nucleotide variant.
Coding change: c.1724G>A on transcript NM_025179.4 (MANE Select); coding-DNA position 1724, G replaced by A.
Protein change: p.Ser575Asn; replaces serine 575 with asparagine.
Molecular consequence: missense variant.
Genome position (GRCh38, 1-based): chr1:208,098,853, C>T on the plus strand (G>A on the coding strand, the complement: PLXNA2 is on the minus strand). VCF-style: chr1-208098853-C-T. GRCh37 (hg19) VCF-style: chr1-208272198-C-T.
Other names: c.1724G>A (NM_025179.3); short protein forms S575N.
Identifiers: ClinVar variation 2960690 (VCV002960690.4), dbSNP rs1667001599, ClinGen allele CA344557046.